The following is an entry in ClinVar:

ClinVar aggregate classification (germline): Likely pathogenic (1 of 4 stars; one submission).

Conditions:
Wilson disease (WND). Also called: Wilson's disease. Identifiers: Orphanet 905, MedGen C0019202, MONDO:0010200, OMIM 277900. Disease mechanism: loss of function.

Submission:

Myriad Genetics, Inc.
Classification: Likely pathogenic for Wilson disease. Last evaluated: 2022-03-31. Review status: criteria provided, single submitter. Criteria: Myriad Women's Health Autosomal Recessive and X-Linked Classification Criteria (2021). Collection method: clinical testing. Allele origin: unknown.
Comment: NM_000053.3(ATP7B):c.3312C>A(C1104*) is expected to be pathogenic in the context of Wilson disease. This variant is predicted to lead to an abnormal or absent protein product due to the creation of a premature termination codon in ATP7B, a gene where loss-of-function variants are known to be pathogenic. Please note: this variant was assessed in the context of healthy population screening.

NM_000053.4(ATP7B):c.3312C>A (p.Cys1104Ter)

Gene: ATP7B (ATPase copper transporting beta; minus strand). Cytogenetic location: 13q14.3.
Variant type: single nucleotide variant.
Coding change: c.3312C>A on transcript NM_000053.4 (MANE Select); coding-DNA position 3312, C replaced by A.
Protein change: p.Cys1104Ter; replaces cysteine 1104 with a stop codon.
Molecular consequence: nonsense.
Genome position (GRCh38, 1-based): chr13:51,942,486, G>T on the plus strand (C>A on the coding strand, the complement: ATP7B is on the minus strand). VCF-style: chr13-51942486-G-T. GRCh37 (hg19) VCF-style: chr13-52516622-G-T.
Other names: c.2691C>A, p.Cys897Ter (NM_001005918.3); c.2979C>A, p.Cys993Ter (NM_001243182.2); c.3078C>A, p.Cys1026Ter (NM_001330578.2, NM_001406527.1, NM_001406528.1 and 1 more transcripts); c.3060C>A, p.Cys1020Ter (NM_001330579.2, NM_001406531.1, NM_001406532.1); c.3312C>A, p.Cys1104Ter (NM_001406511.1, NM_001406512.1, NM_001406526.1); c.3306C>A, p.Cys1102Ter (NM_001406513.1); c.3279C>A, p.Cys1093Ter (NM_001406514.1); c.3258C>A, p.Cys1086Ter (NM_001406515.1, NM_001406516.1); and 19 more; short protein forms C1008*, C1020*, C1024*, C1026*, C1039*, C1043*, C1045*, C1056*.
Identifiers: ClinVar variation 1725681 (VCV001725681.2), dbSNP rs2547612821, ClinGen allele CA388028459.